The following is an entry in ClinVar:

ClinVar aggregate classification (germline): Uncertain significance (1 of 4 stars; one submission).

Conditions:
Nephrolithiasis/nephrocalcinosis. Identifiers: MedGen CN580796.

Allele frequency attached by ClinVar (database versions not stated): TOPMed below 0.00001; gnomAD 0.00001; ExAC 0.00003.
gnomAD v4.1: 14 of 1,612,568 alleles (0.00087%); highest among the groups gnomAD compares: Non-Finnish European, 0.0011%; no homozygotes.

Submission:

Ambry Genetics
Classification: Uncertain significance for Nephrolithiasis/nephrocalcinosis. Last evaluated: 2023-06-24. Review status: criteria provided, single submitter. Criteria: Ambry Variant Classification Scheme 2023. Collection method: clinical testing. Allele origin: germline.
Comment: The c.-2C>T variant is located in the 5' untranslated region (5&rsquo; UTR) of the CASR gene. This variant results from a C to T substitution 2 bases upstream from the first translated codon. This nucleotide position is not well conserved in available vertebrate species. Since supporting evidence is limited at this time, the clinical significance of this alteration remains unclear.

NM_000388.4(CASR):c.-2C>T

Gene: CASR (calcium sensing receptor; plus strand). Cytogenetic location: 3q21.1.
Variant type: single nucleotide variant.
Coding change: c.-2C>T on transcript NM_000388.4 (MANE Select); 2 bases upstream of the start codon, C replaced by T.
Molecular consequence: 5 prime UTR variant.
Genome position (GRCh38, 1-based): chr3:122,254,188, C>T. VCF-style: chr3-122254188-C-T. GRCh37 (hg19) VCF-style: chr3-121973035-C-T.
Other names: c.-2C>T (NM_001178065.2).
Identifiers: ClinVar variation 3231566 (VCV003231566.1), dbSNP rs778565441, ClinGen allele CA2569402.